The following is an entry in ClinVar:

ClinVar aggregate classification (germline): Uncertain significance. Review status: criteria provided, multiple submitters, no conflicts (2 of 4 stars). 2 submissions from 2 submitters: Uncertain significance (2). Last evaluated 2024-10-06.

Conditions:
Neuroblastoma, susceptibility to, 3. Also called: ALK-Related Neuroblastic Tumor Susceptibility. Identifiers: Orphanet 635, MedGen C2751681, MONDO:0013083, OMIM 613014.
Hereditary cancer-predisposing syndrome. Also called: Tumor predisposition; Hereditary neoplastic syndrome; Hereditary Cancer Syndrome; Neoplastic Syndromes, Hereditary. Identifiers: Orphanet 140162, MedGen C0027672, MeSH D009386, MONDO:0015356.

Allele frequency attached by ClinVar (database versions not stated): gnomAD exomes 0.00001.
gnomAD v4.1: 13 of 1,551,564 alleles (0.00084%); highest among the groups gnomAD compares: East Asian, 0.0024%; no homozygotes.

Submissions (2):

Labcorp Genetics (formerly Invitae), Labcorp
Classification: Uncertain significance for Neuroblastoma, susceptibility to, 3. Last evaluated: 2024-10-06. Review status: criteria provided, single submitter. Criteria: Invitae Variant Classification Sherloc (09022015). Collection method: clinical testing. Allele origin: germline.
Comment: This sequence change replaces glycine, which is neutral and non-polar, with glutamic acid, which is acidic and polar, at codon 107 of the ALK protein (p.Gly107Glu). This variant is present in population databases (no rsID available, gnomAD 0.004%). This variant has not been reported in the literature in individuals affected with ALK-related conditions. ClinVar contains an entry for this variant (Variation ID: 1450921). An algorithm developed to predict the effect of missense changes on protein structure and function outputs the following: PolyPhen-2: "Benign". The glutamic acid amino acid residue is found in multiple mammalian species, which suggests that this missense change does not adversely affect protein function. In summary, the available evidence is currently insufficient to determine the role of this variant in disease. Therefore, it has been classified as a Variant of Uncertain Significance.

Ambry Genetics
Classification: Uncertain significance for Hereditary cancer-predisposing syndrome. Last evaluated: 2024-09-30. Review status: criteria provided, single submitter. Criteria: Ambry Variant Classification Scheme 2023. Collection method: clinical testing. Allele origin: germline.
Comment: The p.G107E variant (also known as c.320G>A), located in coding exon 1 of the ALK gene, results from a G to A substitution at nucleotide position 320. The glycine at codon 107 is replaced by glutamic acid, an amino acid with similar properties. This amino acid position is conserved. In addition, the in silico prediction for this alteration is inconclusive. Since supporting evidence is limited at this time, the clinical significance of this alteration remains unclear.

NM_004304.5(ALK):c.320G>A (p.Gly107Glu)

Gene: ALK (ALK receptor tyrosine kinase; minus strand). Cytogenetic location: 2p23.1.
Variant type: single nucleotide variant.
Coding change: c.320G>A on transcript NM_004304.5 (MANE Select); coding-DNA position 320, G replaced by A.
Protein change: p.Gly107Glu; replaces glycine 107 with glutamic acid.
Molecular consequence: missense variant.
Genome position (GRCh38, 1-based): chr2:29,920,340, C>T on the plus strand (G>A on the coding strand, the complement: ALK is on the minus strand). VCF-style: chr2-29920340-C-T. GRCh37 (hg19) VCF-style: chr2-30143206-C-T.
Other names: short protein forms G107E.
Identifiers: ClinVar variation 1450921 (VCV001450921.9), dbSNP rs762635291, ClinGen allele CA346590267.
Genomic context (GRCh38, chr2:29,920,340, plus strand): 5'-AGCACCCTGGACAGCGTCCGGGCCTCTGCCGGGGCTGGTGAACCGGCGGTCCAGGAGACC[C>T]CCGGCGCCGGCCCCAGCAACCTGAGCAGCGGGGCGCAGTCCAGAGCTAGCGAGCCGCGGG-3'
Protein context (NP_004295.2, residues 97-117): PLLRLLGPAP[Gly107Glu]VSWTAGSPAP